The following is an entry in ClinVar:

NM_001204.7(BMPR2):c.404A>C (p.Asp135Ala)

Gene: BMPR2 (bone morphogenetic protein receptor type 2; plus strand). Cytogenetic location: 2q33.1.
Variant type: single nucleotide variant.
Coding change: c.404A>C on transcript NM_001204.7 (MANE Select); coding-DNA position 404, A replaced by C.
Protein change: p.Asp135Ala; replaces aspartic acid 135 with alanine.
Molecular consequence: missense variant.
Genome position (GRCh38, 1-based): chr2:202,467,675, A>C. VCF-style: chr2-202467675-A-C. GRCh37 (hg19) VCF-style: chr2-203332398-A-C.
Other names: short protein forms D135A.
Identifiers: ClinVar variation 3824819 (VCV003824819.1).

ClinVar aggregate classification (germline): Uncertain significance (1 of 4 stars; one submission).

Conditions:
Inborn genetic diseases. Identifiers: MedGen C0950123, MeSH D030342.

Submission:

Ambry Genetics
Classification: Uncertain significance for Inborn genetic diseases. Last evaluated: 2025-01-06. Review status: criteria provided, single submitter. Criteria: Ambry Variant Classification Scheme 2023. Collection method: clinical testing. Allele origin: germline.
Comment: The p.D135A variant (also known as c.404A>C), located in coding exon 3 of the BMPR2 gene, results from an A to C substitution at nucleotide position 404. The aspartic acid at codon 135 is replaced by alanine, an amino acid with dissimilar properties. This amino acid position is conserved. In addition, the in silico prediction for this alteration is inconclusive. Based on the available evidence, the clinical significance of this variant remains unclear.